The following is an entry in ClinVar:

NM_000548.5(TSC2):c.3169A>G (p.Thr1057Ala)

Gene: TSC2 (TSC complex subunit 2; plus strand). Cytogenetic location: 16p13.3.
Variant type: single nucleotide variant.
Coding change: c.3169A>G on transcript NM_000548.5 (MANE Select); coding-DNA position 3169, A replaced by G.
Protein change: p.Thr1057Ala; replaces threonine 1057 with alanine.
Molecular consequence: missense variant. On other transcripts: non-coding transcript variant (5).
Genome position (GRCh38, 1-based): chr16:2,079,313, A>G. VCF-style: chr16-2079313-A-G. GRCh37 (hg19) VCF-style: chr16-2129314-A-G.
Other names: c.3037A>G, p.Thr1013Ala (NM_001077183.3, NM_001370404.1, NM_001406665.1); c.3169A>G, p.Thr1057Ala (NM_001114382.3); c.2929A>G, p.Thr977Ala (NM_001318827.2); c.2893A>G, p.Thr965Ala (NM_001318829.2); c.2437A>G, p.Thr813Ala (NM_001318831.2, NM_001406687.1, NM_001406688.1); c.3070A>G, p.Thr1024Ala (NM_001318832.2); c.3040A>G, p.Thr1014Ala (NM_001363528.2, NM_001370405.1, NM_021055.3); c.3166A>G, p.Thr1056Ala (NM_001406663.1, NM_001406664.1); and 18 more; short protein forms T1008A, T1013A, T1014A, T1024A, T1043A, T1044A, T1057A, T965A.
Identifiers: ClinVar variation 2564615 (VCV002564615.2), dbSNP rs2544046385, ClinGen allele CA394285439.

ClinVar aggregate classification (germline): Uncertain significance (1 of 4 stars; one submission).

Conditions:
Hereditary cancer-predisposing syndrome. Also called: Neoplastic Syndromes, Hereditary; Hereditary Cancer Syndrome; Hereditary neoplastic syndrome; Tumor predisposition. Identifiers: Orphanet 140162, MedGen C0027672, MeSH D009386, MONDO:0015356.

Submission:

Ambry Genetics
Classification: Uncertain significance for Hereditary cancer-predisposing syndrome. Last evaluated: 2023-03-15. Review status: criteria provided, single submitter. Criteria: Ambry Variant Classification Scheme 2023. Collection method: clinical testing. Allele origin: germline.
Comment: The p.T1057A variant (also known as c.3169A>G), located in coding exon 27 of the TSC2 gene, results from an A to G substitution at nucleotide position 3169. The threonine at codon 1057 is replaced by alanine, an amino acid with similar properties. This amino acid position is conserved. In addition, this alteration is predicted to be deleterious by in silico analysis. Since supporting evidence is limited at this time, the clinical significance of this alteration remains unclear.